The following is an entry in ClinVar:

ClinVar aggregate classification (germline): Likely benign. Review status: criteria provided, single submitter (1 of 4 stars). 2 submissions from 2 submitters: Likely benign (1). 1 of the submissions does not count toward it. Last evaluated 2024-09-25.

Conditions:
NCOR1-related disorder. Also called: NCOR1-related condition.

Allele frequency attached by ClinVar (database versions not stated): gnomAD 0.00014; ESP Exome Variant Server 0.00015; gnomAD exomes 0.00017; TOPMed 0.00017; ExAC 0.00021.
gnomAD v4.1: 282 of 1,614,066 alleles (0.017%); highest among the groups gnomAD compares: Middle Eastern, 0.12%; 1 homozygote.

Submissions (2):

Blueprint Genetics
Classification: Likely benign. Last evaluated: 2024-09-25. Review status: criteria provided, single submitter. Criteria: ACMG Guidelines, 2015. Collection method: clinical testing. Allele origin: germline.

PreventionGenetics, part of Exact Sciences
Classification: Likely benign for NCOR1-related condition. Last evaluated: 2019-06-27. Review status: no assertion criteria provided. Collection method: clinical testing. Allele origin: germline. Not counted in ClinVar's aggregate classification.
Comment: This variant is classified as likely benign based on ACMG/AMP sequence variant interpretation guidelines (Richards et al. 2015 PMID: 25741868, with internal and published modifications).

NM_006311.4(NCOR1):c.2250G>A (p.Ala750=)

Gene: NCOR1 (nuclear receptor corepressor 1; minus strand). Cytogenetic location: 17p11.2.
Variant type: single nucleotide variant.
Coding change: c.2250G>A on transcript NM_006311.4 (MANE Select); coding-DNA position 2250, G replaced by A.
Protein change: p.Ala750=; no amino-acid change (alanine 750 retained).
Molecular consequence: synonymous variant.
Genome position (GRCh38, 1-based): chr17:16,101,690, C>T on the plus strand (G>A on the coding strand, the complement: NCOR1 is on the minus strand). VCF-style: chr17-16101690-C-T. GRCh37 (hg19) VCF-style: chr17-16005004-C-T.
Other names: c.1971G>A, p.Ala657= (NM_001190438.2); c.2298G>A, p.Ala766= (NM_001190440.2).
Identifiers: ClinVar variation 3042406 (VCV003042406.3), dbSNP rs200458310, ClinGen allele CA8409062.